The following is an entry in ClinVar:

NM_025132.4(WDR19):c.1993G>C (p.Ala665Pro)

Gene: WDR19 (WD repeat domain 19; plus strand). Cytogenetic location: 4p14.
Variant type: single nucleotide variant.
Coding change: c.1993G>C on transcript NM_025132.4 (MANE Select); coding-DNA position 1993, G replaced by C.
Protein change: p.Ala665Pro; replaces alanine 665 with proline.
Molecular consequence: missense variant.
Genome position (GRCh38, 1-based): chr4:39,231,807, G>C. VCF-style: chr4-39231807-G-C. GRCh37 (hg19) VCF-style: chr4-39233427-G-C.
Other names: c.1513G>C, p.Ala505Pro (NM_001317924.2); short protein forms A505P, A665P.
Identifiers: ClinVar variation 1477271 (VCV001477271.8), dbSNP rs753976268, ClinGen allele CA2891990.

ClinVar aggregate classification (germline): Uncertain significance. Review status: criteria provided, multiple submitters, no conflicts (2 of 4 stars). 2 submissions from 2 submitters: Uncertain significance (2). Last evaluated 2023-12-01.

Conditions:
Asphyxiating thoracic dystrophy 5 (SRTD5). Also called: SHORT-RIB THORACIC DYSPLASIA 5 WITHOUT POLYDACTYLY; SHORT-RIB THORACIC DYSPLASIA 5 WITH OR WITHOUT POLYDACTYLY. Identifiers: Orphanet 474, MedGen C3280598, MONDO:0013717, OMIM 614376.
Senior-Loken syndrome 8 (SLSN8). Identifiers: Orphanet 3156, MedGen C4225376, MONDO:0014579, OMIM 616307.
Nephronophthisis 13 (NPHP13). Identifiers: Orphanet 655, MedGen C3280612, MONDO:0013718, OMIM 614377.

Allele frequency attached by ClinVar (database versions not stated): gnomAD exomes 0.00001; ExAC 0.00002.
gnomAD v4.1: 3 of 1,581,440 alleles (0.00019%); highest among the groups gnomAD compares: South Asian, 0.0034%; no homozygotes.

Submissions (2):

Precision Medicine Center, Zhengzhou University
Classification: Uncertain significance for Nephronophthisis 13. Last evaluated: 2023-12-01. Review status: criteria provided, single submitter. Criteria: ACMG Guidelines, 2015. Collection method: clinical testing. Allele origin: paternal. Affected: no.
Comment: PM2_p

Labcorp Genetics (formerly Invitae), Labcorp
Classification: Uncertain significance for Senior-Loken syndrome 8; Asphyxiating thoracic dystrophy 5. Last evaluated: 2021-08-26. Review status: criteria provided, single submitter. Criteria: Invitae Variant Classification Sherloc (09022015). Collection method: clinical testing. Allele origin: germline.
Comment: This sequence change replaces alanine with proline at codon 665 of the WDR19 protein (p.Ala665Pro). The alanine residue is highly conserved and there is a small physicochemical difference between alanine and proline. This variant is present in population databases (rs753976268, ExAC 0.01%). This variant has not been reported in the literature in individuals affected with WDR19-related conditions. Algorithms developed to predict the effect of missense changes on protein structure and function are either unavailable or do not agree on the potential impact of this missense change (SIFT: "Deleterious"; PolyPhen-2: "Probably Damaging"; Align-GVGD: "Class C0"). In summary, the available evidence is currently insufficient to determine the role of this variant in disease. Therefore, it has been classified as a Variant of Uncertain Significance.